The following is an entry in ClinVar:

NM_133433.4(NIPBL):c.8296_8301del (p.Ile2766_Lys2767del)

Gene: NIPBL (NIPBL cohesin loading factor; plus strand). Cytogenetic location: 5p13.2.
Variant type: Deletion.
Coding change: c.8296_8301del on transcript NM_133433.4 (MANE Select); coding-DNA positions 8296 to 8301, 6 bases deleted (ATTAAA; older notation c.8296_8301delATTAAA).
Protein change: p.Ile2766_Lys2767del.
Molecular consequence: inframe deletion. On other transcripts: 3 prime UTR variant (1).
Genome position (GRCh38, 1-based): chr5:37,064,773-37,064,778, ATTAAA deleted. VCF-style (leftmost placement, unchanged base first): chr5-37064772-TATTAAA-T. GRCh37 (hg19) VCF-style: chr5-37064874-TATTAAA-T.
Other names: c.*750_*755del (NM_015384.5).
Identifiers: ClinVar variation 2860950 (VCV002860950.3), dbSNP rs2478771204, ClinGen allele CA2739274706.

ClinVar aggregate classification (germline): Uncertain significance (1 of 4 stars; one submission).

Conditions:
Cornelia de Lange syndrome 1 (CDLS1). Also called: Brachmann de Lange syndrome; NIPBL-Related Cornelia de Lange Syndrome; TYPUS DEGENERATIVUS AMSTELODAMENSIS. Identifiers: Orphanet 199, MedGen C4551851, MONDO:0007387, OMIM 122470.

Submission:

Labcorp Genetics (formerly Invitae), Labcorp
Classification: Uncertain significance for Cornelia de Lange syndrome 1. Last evaluated: 2023-04-30. Review status: criteria provided, single submitter. Criteria: Invitae Variant Classification Sherloc (09022015). Collection method: clinical testing. Allele origin: germline.
Comment: In summary, the available evidence is currently insufficient to determine the role of this variant in disease. Therefore, it has been classified as a Variant of Uncertain Significance. Experimental studies and prediction algorithms are not available or were not evaluated, and the functional significance of this variant is currently unknown. This variant has not been reported in the literature in individuals affected with NIPBL-related conditions. This variant is not present in population databases (gnomAD no frequency). This variant, c.8296_8301del, results in the deletion of 2 amino acid(s) of the NIPBL protein (p.Ile2766_Lys2767del), but otherwise preserves the integrity of the reading frame.